The following is an entry in ClinVar:

NM_018942.3(HMX1):c.848C>T (p.Pro283Leu)

Gene: HMX1 (H6 family homeobox 1; minus strand). Cytogenetic location: 4p16.1.
Variant type: single nucleotide variant.
Coding change: c.848C>T on transcript NM_018942.3 (MANE Select); coding-DNA position 848, C replaced by T.
Protein change: p.Pro283Leu; replaces proline 283 with leucine.
Molecular consequence: missense variant. On other transcripts: intron variant (1).
Genome position (GRCh38, 1-based): chr4:8,867,892, G>A on the plus strand (C>T on the coding strand, the complement: HMX1 is on the minus strand). VCF-style: chr4-8867892-G-A. GRCh37 (hg19) VCF-style: chr4-8869618-G-A.
Other names: c.848C>T (NM_018942.2); c.394+3329C>T (NM_001306142.2); short protein forms P283L.
Identifiers: ClinVar variation 1405554 (VCV001405554.7), dbSNP rs763131817, ClinGen allele CA2854257.

ClinVar aggregate classification (germline): Uncertain significance. Review status: criteria provided, multiple submitters, no conflicts (2 of 4 stars). 2 submissions from 2 submitters: Uncertain significance (2). Last evaluated 2025-03-25.

Conditions:
Inborn genetic diseases. Identifiers: MedGen C0950123, MeSH D030342.

Submissions (2):

Ambry Genetics
Classification: Uncertain significance for Inborn genetic diseases. Last evaluated: 2025-03-25. Review status: criteria provided, single submitter. Criteria: Ambry Variant Classification Scheme 2023. Collection method: clinical testing. Allele origin: germline.

Labcorp Genetics (formerly Invitae), Labcorp
Classification: Uncertain significance. Last evaluated: 2021-08-10. Review status: criteria provided, single submitter. Criteria: Invitae Variant Classification Sherloc (09022015). Collection method: clinical testing. Allele origin: germline.
Comment: This variant has not been reported in the literature in individuals affected with HMX1-related conditions. In summary, the available evidence is currently insufficient to determine the role of this variant in disease. Therefore, it has been classified as a Variant of Uncertain Significance. Algorithms developed to predict the effect of missense changes on protein structure and function are either unavailable or do not agree on the potential impact of this missense change (SIFT: "Deleterious"; PolyPhen-2: "Possibly Damaging"; Align-GVGD: "Class C0"). The frequency data for this variant in the population databases is considered unreliable, as metrics indicate poor data quality at this position in the ExAC database. This sequence change replaces proline with leucine at codon 283 of the HMX1 protein (p.Pro283Leu). The proline residue is highly conserved and there is a moderate physicochemical difference between proline and leucine.